The following is an entry in ClinVar:

NM_033100.4(CDHR1):c.769G>A (p.Glu257Lys)

Gene: CDHR1 (cadherin related family member 1; plus strand). Cytogenetic location: 10q23.1.
Variant type: single nucleotide variant.
Coding change: c.769G>A on transcript NM_033100.4 (MANE Select); coding-DNA position 769, G replaced by A.
Protein change: p.Glu257Lys; replaces glutamic acid 257 with lysine.
Molecular consequence: missense variant.
Genome position (GRCh38, 1-based): chr10:84,203,109, G>A. VCF-style: chr10-84203109-G-A. GRCh37 (hg19) VCF-style: chr10-85962865-G-A.
Other names: c.769G>A, p.Glu257Lys (NM_001171971.3); short protein forms E257K.
Identifiers: ClinVar variation 1013707 (VCV001013707.5), dbSNP rs1473752492, ClinGen allele CA377372793.

ClinVar aggregate classification (germline): Uncertain significance. Review status: criteria provided, multiple submitters, no conflicts (2 of 4 stars). 2 submissions from 2 submitters: Uncertain significance (2). Last evaluated 2022-06-28.

Allele frequency attached by ClinVar (database versions not stated): gnomAD exomes 0.00001; gnomAD 0.00002; TOPMed 0.00002.

Submissions (2):

Labcorp Genetics (formerly Invitae), Labcorp
Classification: Uncertain significance. Last evaluated: 2022-06-28. Review status: criteria provided, single submitter. Criteria: Invitae Variant Classification Sherloc (09022015). Collection method: clinical testing. Allele origin: germline.
Comment: In summary, the available evidence is currently insufficient to determine the role of this variant in disease. Therefore, it has been classified as a Variant of Uncertain Significance. Algorithms developed to predict the effect of sequence changes on RNA splicing suggest that this variant may disrupt the consensus splice site. Advanced modeling of protein sequence and biophysical properties (such as structural, functional, and spatial information, amino acid conservation, physicochemical variation, residue mobility, and thermodynamic stability) performed at Invitae indicates that this missense variant is expected to disrupt CDHR1 protein function. ClinVar contains an entry for this variant (Variation ID: 1013707). This variant has not been reported in the literature in individuals affected with CDHR1-related conditions. This variant is present in population databases (no rsID available, gnomAD 0.008%). This sequence change replaces glutamic acid, which is acidic and polar, with lysine, which is basic and polar, at codon 257 of the CDHR1 protein (p.Glu257Lys).

Blueprint Genetics
Classification: Uncertain significance. Last evaluated: 2021-11-26. Review status: criteria provided, single submitter. Criteria: ACMG Guidelines, 2015. Collection method: clinical testing. Allele origin: germline.